The following is an entry in ClinVar:

ClinVar aggregate classification (germline): Uncertain significance (1 of 4 stars; one submission).

Conditions:
Hereditary cancer-predisposing syndrome. Also called: Neoplastic Syndromes, Hereditary; Tumor predisposition; Hereditary neoplastic syndrome; Hereditary Cancer Syndrome. Identifiers: Orphanet 140162, MedGen C0027672, MeSH D009386, MONDO:0015356.

Allele frequency attached by ClinVar (database versions not stated): gnomAD exomes below 0.00001.
gnomAD v4.1: 1 of 1,614,186 alleles (0.000062%); highest among the groups gnomAD compares: Non-Finnish European, 0.000085%; no homozygotes.

Submission:

Color Diagnostics, LLC DBA Color Health
Classification: Uncertain significance for Hereditary cancer-predisposing syndrome. Last evaluated: 2023-12-05. Review status: criteria provided, single submitter. Criteria: ACMG Guidelines, 2015. Collection method: clinical testing. Allele origin: germline.
Comment: This missense variant replaces threonine with isoleucine at codon 73 of the CDH1 protein. To our knowledge, functional studies have not been reported for this variant. This variant has not been reported in individuals affected with CDH1-related disorders in the literature. This variant has not been identified in the general population by the Genome Aggregation Database (gnomAD). The available evidence is insufficient to determine the role of this variant in disease conclusively. Therefore, this variant is classified as a Variant of Uncertain Significance.

NM_004360.5(CDH1):c.218C>T (p.Thr73Ile)

Gene: CDH1 (cadherin 1; plus strand). Cytogenetic location: 16q22.1.
Variant type: single nucleotide variant.
Coding change: c.218C>T on transcript NM_004360.5 (MANE Select); coding-DNA position 218, C replaced by T.
Protein change: p.Thr73Ile; replaces threonine 73 with isoleucine.
Molecular consequence: missense variant. On other transcripts: 5 prime UTR variant (2).
Genome position (GRCh38, 1-based): chr16:68,801,724, C>T. VCF-style: chr16-68801724-C-T. GRCh37 (hg19) VCF-style: chr16-68835627-C-T.
Other names: c.218C>T, p.Thr73Ile (NM_001317184.2); c.-1398C>T (NM_001317185.2); c.-1602C>T (NM_001317186.2); short protein forms T73I.
Identifiers: ClinVar variation 629437 (VCV000629437.5), dbSNP rs1555514410, ClinGen allele CA396457186.